The following is an entry in ClinVar:

ClinVar aggregate classification (germline): Uncertain significance. Review status: criteria provided, multiple submitters, no conflicts (2 of 4 stars). 2 submissions from 2 submitters: Uncertain significance (2). Last evaluated 2023-06-21.

Conditions:
Renal coloboma syndrome (PAPRS). Also called: COLOBOMA OF OPTIC NERVE WITH RENAL DISEASE; PAPILLORENAL SYNDROME WITH MILD OCULAR ABNORMALITIES; OPTIC COLOBOMA, VESICOURETERAL REFLUX, AND RENAL ANOMALIES; OPTIC NERVE COLOBOMA WITH RENAL DISEASE; RENAL-COLOBOMA SYNDROME WITH MACULAR ABNORMALITIES; PAPILLORENAL SYNDROME. Identifiers: Orphanet 1475, MedGen C1852759, MONDO:0007352, OMIM 120330.
Focal segmental glomerulosclerosis 7 (FSGS7). Identifiers: Orphanet 656, MedGen C4014925, MONDO:0014451, OMIM 616002.

Allele frequency attached by ClinVar (database versions not stated): gnomAD exomes below 0.00001.
gnomAD v4.1: 1 of 1,614,200 alleles (0.000062%); highest among the groups gnomAD compares: Admixed American, 0.0017%; no homozygotes.

Submissions (2):

Blueprint Genetics
Classification: Uncertain significance. Last evaluated: 2023-06-21. Review status: criteria provided, single submitter. Criteria: ACMG Guidelines, 2015. Collection method: clinical testing. Allele origin: germline.

Labcorp Genetics (formerly Invitae), Labcorp
Classification: Uncertain significance for Renal coloboma syndrome; Focal segmental glomerulosclerosis 7. Last evaluated: 2021-07-20. Review status: criteria provided, single submitter. Criteria: Invitae Variant Classification Sherloc (09022015). Collection method: clinical testing. Allele origin: germline.
Comment: This sequence change replaces glutamic acid with lysine at codon 113 of the PAX2 protein (p.Glu113Lys). The glutamic acid residue is highly conserved and there is a small physicochemical difference between glutamic acid and lysine. In summary, the available evidence is currently insufficient to determine the role of this variant in disease. Therefore, it has been classified as a Variant of Uncertain Significance. Experimental studies and prediction algorithms are not available or were not evaluated, and the functional significance of this variant is currently unknown. This variant has not been reported in the literature in individuals with PAX2-related conditions. This variant is not present in population databases (ExAC no frequency).

NM_000278.5(PAX2):c.337G>A (p.Glu113Lys)

Gene: PAX2 (paired box 2; plus strand). Cytogenetic location: 10q24.31.
Variant type: single nucleotide variant.
Coding change: c.337G>A on transcript NM_000278.5 (MANE Select); coding-DNA position 337, G replaced by A.
Protein change: p.Glu113Lys; replaces glutamic acid 113 with lysine.
Molecular consequence: missense variant.
Genome position (GRCh38, 1-based): chr10:100,750,818, G>A. VCF-style: chr10-100750818-G-A. GRCh37 (hg19) VCF-style: chr10-102510575-G-A.
Other names: c.430G>A, p.Glu144Lys (NM_001304569.2); c.337G>A, p.Glu113Lys (NM_003987.5, NM_003988.5, NM_003989.5 and 1 more transcripts); short protein forms E113K, E144K.
Identifiers: ClinVar variation 1358769 (VCV001358769.7), dbSNP rs1481932003, ClinGen allele CA378258062.
Genomic context (GRCh38, chr10:100,750,818, plus strand): 5'-CCCAAAGTGGTGGACAAGATTGCTGAATACAAACGACAGAACCCGACTATGTTCGCCTGG[G>A]AGATTCGAGACCGGCTCCTGGCCGAGGGCATCTGTGACAATGACACAGTGCCCAGCGTCT-3'
Protein context (NP_000269.3, residues 103-123): KRQNPTMFAW[Glu113Lys]IRDRLLAEGI